The following is an entry in ClinVar:

NM_002474.3(MYH11):c.4791+4C>T

Genes: MYH11 (myosin heavy chain 11; minus strand), NDE1 (nudE neurodevelopment protein 1; plus strand). Cytogenetic location: 16p13.11.
Variant type: single nucleotide variant.
Coding change: c.4791+4C>T on transcript NM_002474.3 (MANE Select); 4 bases into the intron after coding-DNA position 4791, C replaced by T.
Molecular consequence: intron variant.
Genome position (GRCh38, 1-based): chr16:15,720,835, G>A on the plus strand (C>T on the coding strand, the complement: MYH11 is on the minus strand). VCF-style: chr16-15720835-G-A. GRCh37 (hg19) VCF-style: chr16-15814692-G-A.
Other names: c.948-3356G>A (NM_001143979.2, NM_017668.3); c.4791+4C>T (NM_022844.3); c.4812+4C>T (NM_001040114.2, NM_001040113.2).
Identifiers: ClinVar variation 138348 (VCV000138348.34), dbSNP rs142108062, ClinGen allele CA292317.

ClinVar aggregate classification (germline): Benign/Likely benign. Review status: criteria provided, multiple submitters, no conflicts (2 of 4 stars). 11 submissions from 11 submitters: Benign (7); Likely benign (4). Last evaluated 2026-02-03.

Conditions:
Connective tissue disorder. Also called: Connective tissue disease. Identifiers: MedGen C0009782, MONDO:0003900.
Familial thoracic aortic aneurysm and aortic dissection (TAAD). Also called: Thoracic aortic aneurysms and dissections. Identifiers: Orphanet 91387, MedGen C4707243, MONDO:0019625.
Aortic aneurysm, familial thoracic 4 (AAT4). Also called: AORTIC ANEURYSM/AORTIC DISSECTION AND PATENT DUCTUS ARTERIOSUS. Identifiers: MedGen C1851504, MONDO:0007568, OMIM 132900.

Allele frequency attached by ClinVar (database versions not stated): gnomAD exomes 0.00099 and 0.00193; ExAC 0.00218; 1000 Genomes Project 30x 0.00593; 1000 Genomes Project 0.00599; gnomAD 0.00617 and 0.00664; TOPMed 0.00675; ESP Exome Variant Server 0.00770.
gnomAD v4.1: 2,391 of 1,613,128 alleles (0.15%); highest among the groups gnomAD compares: African/African-American, 2.1%; 15 homozygotes.

Submissions (11):

Labcorp Genetics (formerly Invitae), Labcorp
Classification: Benign for Aortic aneurysm, familial thoracic 4. Last evaluated: 2026-02-03. Review status: criteria provided, single submitter. Criteria: Invitae Variant Classification Sherloc (09022015). Collection method: clinical testing. Allele origin: germline.

Molecular Diagnostic Laboratory for Inherited Cardiovascular Disease, Montreal Heart Institute
Classification: Likely benign. Last evaluated: 2025-04-09. Review status: criteria provided, single submitter. Criteria: ACMG Guidelines, 2015. Collection method: clinical testing. Allele origin: germline. Affected: no.
Comment: BS1,PB6,PB7.

ARUP Laboratories, Molecular Genetics and Genomics, ARUP Laboratories
Classification: Benign. Last evaluated: 2025-01-27. Review status: criteria provided, single submitter. Criteria: ARUP Molecular Germline Variant Investigation Process 2024. Collection method: clinical testing. Allele origin: germline.

Blueprint Genetics
Classification: Likely benign. Last evaluated: 2024-11-11. Review status: criteria provided, single submitter. Criteria: ACMG Guidelines, 2015. Collection method: clinical testing. Allele origin: germline.

Women's Health and Genetics/Laboratory Corporation of America, LabCorp
Classification: Benign. Last evaluated: 2019-01-28. Review status: criteria provided, single submitter. Criteria: LabCorp Variant Classification Summary - May 2015. Collection method: clinical testing. Allele origin: germline.
Comment: Variant summary: MYH11 c.4812+4C>T alters a non-conserved nucleotide located close to a canonical splice site and therefore could affect mRNA splicing, leading to a significantly altered protein sequence. 5/5 computational tools predict no significant impact on normal splicing. However, these predictions have yet to be confirmed by functional studies. The variant allele was found at a frequency of 0.0022 in 121360 control chromosomes in the ExAC database, including 2 homozygotes. The observed variant frequency is approximately 1740 fold of the estimated maximal expected allele frequency for a pathogenic variant in MYH11 causing Aortopathy phenotype (1.3e-06), strongly suggesting that the variant is benign. To our knowledge, no occurrence of c.4812+4C>T in individuals affected with Aortopathy and no experimental evidence demonstrating its impact on protein function have been reported. Three clinical diagnostic laboratories have submitted clinical-significance assessments for this variant to ClinVar after 2014 without evidence for independent evaluation. All laboratories classified the variant as benign/likely benign. Based on the evidence outlined above, the variant was classified as benign.

Color Diagnostics, LLC DBA Color Health
Classification: Benign for Familial thoracic aortic aneurysm and aortic dissection. Last evaluated: 2018-03-07. Review status: criteria provided, single submitter. Criteria: ACMG Guidelines, 2015. Collection method: clinical testing. Allele origin: germline.

Illumina Laboratory Services, Illumina
Classification: Likely benign for Aortic aneurysm, familial thoracic 4. Last evaluated: 2018-01-13. Review status: criteria provided, single submitter. Criteria: ICSL Variant Classification Criteria 13 December 2019. Collection method: clinical testing. Allele origin: germline.
Comment: This variant was observed in the ICSL laboratory as part of a predisposition screen in an ostensibly healthy population. It had not been previously curated by ICSL or reported in the Human Gene Mutation Database (HGMD: prior to June 1st, 2018), and was therefore a candidate for classification through an automated scoring system. Utilizing variant allele frequency, disease prevalence and penetrance estimates, and inheritance mode, an automated score was calculated to assess if this variant is too frequent to cause the disease. Based on the score and internal cut-off values, a variant classified as likely benign is not then subjected to further curation. The score for this variant resulted in a classification of likely benign for this disease.

Center for Human Genetics, Inc
Classification: Likely benign for Connective tissue disorder. Last evaluated: 2016-11-01. Review status: criteria provided, single submitter. Criteria: ACMG Guidelines, 2015. Collection method: clinical testing. Allele origin: germline. Affected: yes.

CHEO Genetics Diagnostic Laboratory, Children's Hospital of Eastern Ontario
Classification: Benign for Familial thoracic aortic aneurysm and aortic dissection. Last evaluated: 2016-06-19. Review status: criteria provided, single submitter. Criteria: ACMG Guidelines, 2015. Collection method: clinical testing. Allele origin: germline. Study: Canadian Open Genetics Repository.

Ambry Genetics
Classification: Benign for Familial thoracic aortic aneurysm and aortic dissection. Last evaluated: 2015-10-21. Review status: criteria provided, single submitter. Criteria: Ambry Variant Classification Scheme 2023. Collection method: clinical testing. Allele origin: germline.

GeneDx
Classification: Benign. Last evaluated: 2013-02-01. Review status: criteria provided, single submitter. Criteria: GeneDx Variant Classification (06012015). Collection method: clinical testing. Allele origin: germline. Affected: yes.
Comment: This variant is considered likely benign or benign based on one or more of the following criteria: it is a conservative change, it occurs at a poorly conserved position in the protein, it is predicted to be benign by multiple in silico algorithms, and/or has population frequency not consistent with disease.